The following is an entry in ClinVar:

ClinVar aggregate classification (germline): Likely benign. Review status: criteria provided, multiple submitters, no conflicts (2 of 4 stars). 2 submissions from 2 submitters: Likely benign (2). Last evaluated 2025-07-01.

Conditions:
Inborn genetic diseases. Identifiers: MedGen C0950123, MeSH D030342.

gnomAD v4.1: 170 of 1,613,982 alleles (0.011%); highest among the groups gnomAD compares: Non-Finnish European, 0.013%; no homozygotes.

Submissions (2):

CeGaT Center for Human Genetics Tuebingen
Classification: Likely benign. Last evaluated: 2025-07-01. Review status: criteria provided, single submitter. Criteria: CeGaT Center For Human Genetics Tuebingen Variant Classification Criteria Version 2. Collection method: clinical testing. Allele origin: germline. Affected: yes. Observed: 1 variant allele.
Comment: ARID2: BP4

Ambry Genetics
Classification: Likely benign for Inborn genetic diseases. Last evaluated: 2025-01-01. Review status: criteria provided, single submitter. Criteria: Ambry Variant Classification Scheme 2023. Collection method: clinical testing. Allele origin: germline.

NM_152641.4(ARID2):c.370A>G (p.Ile124Val)

Gene: ARID2 (AT-rich interaction domain 2; plus strand). Cytogenetic location: 12q12.
Variant type: single nucleotide variant.
Coding change: c.370A>G on transcript NM_152641.4 (MANE Select); coding-DNA position 370, A replaced by G.
Protein change: p.Ile124Val; replaces isoleucine 124 with valine.
Molecular consequence: missense variant.
Genome position (GRCh38, 1-based): chr12:45,811,503, A>G. VCF-style: chr12-45811503-A-G. GRCh37 (hg19) VCF-style: chr12-46205286-A-G.
Other names: c.370A>G, p.Ile124Val (NM_001347839.2); short protein forms I124V.
Identifiers: ClinVar variation 3784388 (VCV003784388.9).
Genomic context (GRCh38, chr12:45,811,503, plus strand): 5'-CATCATTTTGGGGAGGATGATGATGAGGTACCACCAGGCAATCCAAAGCCACAGCTTCCT[A>G]TTGGTGCAATTCCATCTTCCTACAATTACCAGCAACACAGTGTGTCGGGTAAATATCACT-3'
Protein context (NP_689854.2, residues 114-134): PPGNPKPQLP[Ile124Val]GAIPSSYNYQ